The following is an entry in ClinVar:

ClinVar aggregate classification (germline): Benign. Review status: criteria provided, single submitter (1 of 4 stars). 2 submissions from 2 submitters: Benign (1). 1 of the submissions does not count toward it. Last evaluated 2026-01-25.

Conditions:
MRPS34-related disorder. Also called: MRPS34-related condition.

Allele frequency attached by ClinVar (database versions not stated): ESP Exome Variant Server 0.00185; 1000 Genomes Project 0.00220; 1000 Genomes Project 30x 0.00234.

Submissions (2):

Labcorp Genetics (formerly Invitae), Labcorp
Classification: Benign. Last evaluated: 2026-01-25. Review status: criteria provided, single submitter. Criteria: Invitae Variant Classification Sherloc (09022015). Collection method: clinical testing. Allele origin: germline.

PreventionGenetics, part of Exact Sciences
Classification: Likely benign for MRPS34-related condition. Last evaluated: 2019-04-09. Review status: no assertion criteria provided. Collection method: clinical testing. Allele origin: germline. Not counted in ClinVar's aggregate classification.
Comment: This variant is classified as likely benign based on ACMG/AMP sequence variant interpretation guidelines (Richards et al. 2015 PMID: 25741868, with internal and published modifications).

NM_023936.2(MRPS34):c.498C>T (p.Tyr166=)

Gene: MRPS34 (mitochondrial ribosomal protein S34; minus strand). Cytogenetic location: 16p13.3.
Variant type: single nucleotide variant.
Coding change: c.498C>T on transcript NM_023936.2 (MANE Select); coding-DNA position 498, C replaced by T.
Protein change: p.Tyr166=; no amino-acid change (tyrosine 166 retained).
Molecular consequence: synonymous variant.
Genome position (GRCh38, 1-based): chr16:1,772,380, G>A on the plus strand (C>T on the coding strand, the complement: MRPS34 is on the minus strand). VCF-style: chr16-1772380-G-A. GRCh37 (hg19) VCF-style: chr16-1822381-G-A.
Other names: c.519C>T, p.Tyr173= (NM_001300900.2); c.519C>T (NM_001300900.1).
Identifiers: ClinVar variation 1532700 (VCV001532700.10), dbSNP rs115992643, ClinGen allele CA7818320.